The following is an entry in ClinVar:

NM_001845.6(COL4A1):c.71G>C (p.Arg24Pro)

Gene: COL4A1 (collagen type IV alpha 1 chain; minus strand). Cytogenetic location: 13q34.
Variant type: single nucleotide variant.
Coding change: c.71G>C on transcript NM_001845.6 (MANE Select); coding-DNA position 71, G replaced by C.
Protein change: p.Arg24Pro; replaces arginine 24 with proline.
Molecular consequence: missense variant.
Genome position (GRCh38, 1-based): chr13:110,306,957, C>G on the plus strand (G>C on the coding strand, the complement: COL4A1 is on the minus strand). VCF-style: chr13-110306957-C-G. GRCh37 (hg19) VCF-style: chr13-110959304-C-G.
Other names: c.71G>C, p.Arg24Pro (NM_001303110.2); c.71G>C (NM_001845.4); short protein forms R24P.
Identifiers: ClinVar variation 2051852 (VCV002051852.6), dbSNP rs773669081, ClinGen allele CA256274293.

ClinVar aggregate classification (germline): Uncertain significance. Review status: criteria provided, multiple submitters, no conflicts (2 of 4 stars). 2 submissions from 2 submitters: Uncertain significance (2). Last evaluated 2026-01-05.

Allele frequency attached by ClinVar (database versions not stated): TOPMed 0.00002.
gnomAD v4.1: 52 of 1,474,686 alleles (0.0035%); highest among the groups gnomAD compares: Non-Finnish European, 0.0045%; no homozygotes.

Submissions (2):

Labcorp Genetics (formerly Invitae), Labcorp
Classification: Uncertain significance. Last evaluated: 2026-01-05. Review status: criteria provided, single submitter. Criteria: Invitae Variant Classification Sherloc (09022015). Collection method: clinical testing. Allele origin: germline.
Comment: This sequence change replaces arginine, which is basic and polar, with proline, which is neutral and non-polar, at codon 24 of the COL4A1 protein (p.Arg24Pro). This variant is not present in population databases (gnomAD no frequency). This variant has not been reported in the literature in individuals affected with COL4A1-related conditions. ClinVar contains an entry for this variant (Variation ID: 2051852). Invitae Evidence Modeling of protein sequence and biophysical properties (such as structural, functional, and spatial information, amino acid conservation, physicochemical variation, residue mobility, and thermodynamic stability) indicates that this missense variant is not expected to disrupt COL4A1 protein function with a negative predictive value of 95%. In summary, the available evidence is currently insufficient to determine the role of this variant in disease. Therefore, it has been classified as a Variant of Uncertain Significance.

GeneDx
Classification: Uncertain significance. Last evaluated: 2024-05-08. Review status: criteria provided, single submitter. Criteria: GeneDx Variant Classification Process June 2021. Collection method: clinical testing. Allele origin: germline. Affected: yes.
Comment: Not observed at significant frequency in large population cohorts (gnomAD); In silico analysis indicates that this missense variant does not alter protein structure/function; Has not been previously published as pathogenic or benign to our knowledge